The following is an entry in ClinVar:

ClinVar aggregate classification (germline): Uncertain significance. Review status: criteria provided, multiple submitters, no conflicts (2 of 4 stars). 2 submissions from 2 submitters: Uncertain significance (2). Last evaluated 2024-01-19.

Conditions:
DICER1-related tumor predisposition. Also called: DICER1 syndrome; DICER1-related pleuropulmonary blastoma cancer predisposition syndrome. Identifiers: Orphanet 284343, MedGen C3839822, MONDO:0100216.
Hereditary cancer-predisposing syndrome. Also called: Neoplastic Syndromes, Hereditary; Hereditary Cancer Syndrome; Tumor predisposition; Hereditary neoplastic syndrome. Identifiers: Orphanet 140162, MedGen C0027672, MeSH D009386, MONDO:0015356.

Submissions (2):

Ambry Genetics
Classification: Uncertain significance for Hereditary cancer-predisposing syndrome. Last evaluated: 2024-01-19. Review status: criteria provided, single submitter. Criteria: Ambry Variant Classification Scheme 2023. Collection method: clinical testing. Allele origin: germline.
Comment: The p.M1149T variant (also known as c.3446T>C), located in coding exon 20 of the DICER1 gene, results from a T to C substitution at nucleotide position 3446. The methionine at codon 1149 is replaced by threonine, an amino acid with similar properties. This amino acid position is conserved. In addition, the in silico prediction for this alteration is inconclusive. Based on the available evidence, the clinical significance of this alteration remains unclear.

Labcorp Genetics (formerly Invitae), Labcorp
Classification: Uncertain significance for DICER1-related tumor predisposition. Last evaluated: 2022-08-23. Review status: criteria provided, single submitter. Criteria: Invitae Variant Classification Sherloc (09022015). Collection method: clinical testing. Allele origin: germline.
Comment: In summary, the available evidence is currently insufficient to determine the role of this variant in disease. Therefore, it has been classified as a Variant of Uncertain Significance. Algorithms developed to predict the effect of missense changes on protein structure and function output the following: SIFT: "Tolerated"; PolyPhen-2: "Benign"; Align-GVGD: "Class C0". The threonine amino acid residue is found in multiple mammalian species, which suggests that this missense change does not adversely affect protein function. ClinVar contains an entry for this variant (Variation ID: 1516695). This variant has not been reported in the literature in individuals affected with DICER1-related conditions. This variant is not present in population databases (gnomAD no frequency). This sequence change replaces methionine, which is neutral and non-polar, with threonine, which is neutral and polar, at codon 1149 of the DICER1 protein (p.Met1149Thr).

NM_177438.3(DICER1):c.3446T>C (p.Met1149Thr)

Gene: DICER1 (dicer 1, ribonuclease III; minus strand). Cytogenetic location: 14q32.13.
Variant type: single nucleotide variant.
Coding change: c.3446T>C on transcript NM_177438.3 (MANE Select); coding-DNA position 3446, T replaced by C.
Protein change: p.Met1149Thr; replaces methionine 1149 with threonine.
Molecular consequence: missense variant.
Genome position (GRCh38, 1-based): chr14:95,103,950, A>G on the plus strand (T>C on the coding strand, the complement: DICER1 is on the minus strand). VCF-style: chr14-95103950-A-G. GRCh37 (hg19) VCF-style: chr14-95570287-A-G.
Other names: c.3446T>C (NM_177438.2); c.3446T>C, p.Met1149Thr (NM_001195573.1, NM_001271282.3, NM_001291628.2 and 1 more transcripts); short protein forms M1149T.
Identifiers: ClinVar variation 1516695 (VCV001516695.10), dbSNP rs1891165474, ClinGen allele CA390875397.
Genomic context (GRCh38, chr14:95,103,950, plus strand): 5'-GAAACTTCAACGTGGAGCTTACCAGGGGACTCGCTGAGCAACGTTCTGCAGTTCACAGAC[A>G]TTTGGTCATGATTTTCTAGAGAGGAGGTTCTATTAGCACCTTGATGTGCAGCATTTTCAG-3'
Protein context (NP_803187.1, residues 1139-1159): RTSSLENHDQ[Met1149Thr]SVNCRTLLSE